The following is an entry in ClinVar:

ClinVar aggregate classification (germline): Uncertain significance. Review status: criteria provided, multiple submitters, no conflicts (2 of 4 stars). 2 submissions from 2 submitters: Uncertain significance (2). Last evaluated 2025-06-10.

Conditions:
Hypertrophic cardiomyopathy. Also called: HYPERTROPHIC MYOCARDIOPATHY. Identifiers: Orphanet 217569, MedGen C0007194, MeSH D002312, MONDO:0005045, HP:0001639.

Allele frequency attached by ClinVar (database versions not stated): gnomAD exomes below 0.00001; ExAC 0.00001.
gnomAD v4.1: 6 of 1,613,970 alleles (0.00037%); highest among the groups gnomAD compares: Middle Eastern, 0.016%; no homozygotes.

Submissions (2):

Ambry Genetics
Classification: Uncertain significance. Last evaluated: 2025-06-10. Review status: criteria provided, single submitter. Criteria: Ambry Variant Classification Scheme 2023. Collection method: clinical testing. Allele origin: germline.
Comment: The p.I746L variant (also known as c.2236A>C), located in coding exon 15 of the MYOM1 gene, results from an A to C substitution at nucleotide position 2236. The isoleucine at codon 746 is replaced by leucine, an amino acid with highly similar properties. This amino acid position is conserved. In addition, this alteration is predicted to be tolerated by in silico analysis. Based on the available evidence, the clinical significance of this variant remains unclear.

Labcorp Genetics (formerly Invitae), Labcorp
Classification: Uncertain significance for Hypertrophic cardiomyopathy. Last evaluated: 2023-11-19. Review status: criteria provided, single submitter. Criteria: Invitae Variant Classification Sherloc (09022015). Collection method: clinical testing. Allele origin: germline.
Comment: This sequence change replaces isoleucine, which is neutral and non-polar, with leucine, which is neutral and non-polar, at codon 746 of the MYOM1 protein (p.Ile746Leu). This variant is present in population databases (rs761625218, gnomAD 0.0009%). This variant has not been reported in the literature in individuals affected with MYOM1-related conditions. Advanced modeling of protein sequence and biophysical properties (such as structural, functional, and spatial information, amino acid conservation, physicochemical variation, residue mobility, and thermodynamic stability) performed at Invitae indicates that this missense variant is not expected to disrupt MYOM1 protein function with a negative predictive value of 80%. In summary, the available evidence is currently insufficient to determine the role of this variant in disease. Therefore, it has been classified as a Variant of Uncertain Significance.

NM_003803.4(MYOM1):c.2236A>C (p.Ile746Leu)

Gene: MYOM1 (myomesin 1; minus strand). Cytogenetic location: 18p11.31.
Variant type: single nucleotide variant.
Coding change: c.2236A>C on transcript NM_003803.4 (MANE Select); coding-DNA position 2236, A replaced by C.
Protein change: p.Ile746Leu; replaces isoleucine 746 with leucine.
Molecular consequence: missense variant.
Genome position (GRCh38, 1-based): chr18:3,134,798, T>G on the plus strand (A>C on the coding strand, the complement: MYOM1 is on the minus strand). VCF-style: chr18-3134798-T-G. GRCh37 (hg19) VCF-style: chr18-3134796-T-G.
Other names: c.2236A>C, p.Ile746Leu (NM_019856.2); short protein forms I746L.
Identifiers: ClinVar variation 2720207 (VCV002720207.4), dbSNP rs761625218, ClinGen allele CA8874701.